The following is an entry in ClinVar:

NM_000428.3(LTBP2):c.2399G>C (p.Ser800Thr)

Gene: LTBP2 (latent transforming growth factor beta binding protein 2; minus strand). Cytogenetic location: 14q24.3.
Variant type: single nucleotide variant.
Coding change: c.2399G>C on transcript NM_000428.3 (MANE Select); coding-DNA position 2399, G replaced by C.
Protein change: p.Ser800Thr; replaces serine 800 with threonine.
Molecular consequence: missense variant.
Genome position (GRCh38, 1-based): chr14:74,526,104, C>G on the plus strand (G>C on the coding strand, the complement: LTBP2 is on the minus strand). VCF-style: chr14-74526104-C-G. GRCh37 (hg19) VCF-style: chr14-74992807-C-G.
Other names: short protein forms S800T.
Identifiers: ClinVar variation 4528088 (VCV004528088.1).
Genomic context (GRCh38, chr14:74,526,104, plus strand): 5'-TGCCTAGGAGCCGCCAGGAAGAGGGACTCACCTGTGACCCAGGCAGGTGCATGAGTGACA[C>G]TGGTCGTGACCTGCACAGAAACAGGAGAAGGTCACTTTTGGCTCCTCTGCCGTACCTGTG-3'
Protein context (NP_000419.1, residues 790-810): GDSQAGQVTT[Ser800Thr]VTHAPAWVTG

ClinVar aggregate classification (germline): Uncertain significance (1 of 4 stars; one submission).

gnomAD v4.1: 1 of 1,603,842 alleles (0.000062%); highest among the groups gnomAD compares: Non-Finnish European, 0.000085%; no homozygotes.

Submission:

GeneDx
Classification: Uncertain significance. Last evaluated: 2025-05-07. Review status: criteria provided, single submitter. Criteria: GeneDx Variant Classification Process June 2021. Collection method: clinical testing. Allele origin: germline. Affected: yes.
Comment: In silico analysis suggests that this missense variant does not alter protein structure/function; Has not been previously published as pathogenic or benign to our knowledge